The following is an entry in ClinVar:

ClinVar aggregate classification (germline): Uncertain significance (1 of 4 stars; one submission).

gnomAD v4.1: 1 of 1,307,272 alleles (0.000076%); highest among the groups gnomAD compares: Non-Finnish European, 0.000098%; no homozygotes.

Submission:

Ambry Genetics
Classification: Uncertain significance. Last evaluated: 2026-07-28. Review status: criteria provided, single submitter. Criteria: Ambry Variant Classification Scheme 2023. Collection method: clinical testing. Allele origin: germline.
Comment: The p.P68L variant (also known as c.203C>T), located in coding exon 1 of the WNK2 gene, results from a C to T substitution at nucleotide position 203. The proline at codon 68 is replaced by leucine, an amino acid with similar properties. This amino acid position is conserved. In addition, this alteration is predicted to be tolerated by in silico analysis. Based on the available evidence, the clinical significance of this variant remains unclear.

NM_006648.4(WNK2):c.203C>T (p.Pro68Leu)

Gene: WNK2 (WNK lysine deficient protein kinase 2; plus strand). Cytogenetic location: 9q22.31.
Variant type: single nucleotide variant.
Coding change: c.203C>T on transcript NM_006648.4 (MANE Select); coding-DNA position 203, C replaced by T.
Protein change: p.Pro68Leu; replaces proline 68 with leucine.
Molecular consequence: missense variant.
Genome position (GRCh38, 1-based): chr9:93,185,132, C>T. VCF-style: chr9-93185132-C-T. GRCh37 (hg19) VCF-style: chr9-95947414-C-T.
Other names: c.203C>T, p.Pro68Leu (NM_001282394.3); short protein forms P68L.
Identifiers: ClinVar variation 5031889 (VCV005031889.1).